The following is an entry in ClinVar:

ClinVar aggregate classification (germline): Pathogenic/Likely pathogenic. Review status: criteria provided, multiple submitters, no conflicts (2 of 4 stars). 2 submissions from 2 submitters: Pathogenic (1); Likely pathogenic (1). Last evaluated 2025-05-23.

Conditions:
Polycystic kidney disease, adult type (PKD1). Also called: Polycystic Kidney Disease 1, Autosomal Dominant; Polycystic kidney disease 1; Polycystic kidney disease 1, severe; POLYCYSTIC KIDNEY DISEASE 1 WITH OR WITHOUT POLYCYSTIC LIVER DISEASE; POLYCYSTIC KIDNEY DISEASE, ADULT, TYPE I; Polycystic Kidney, Autosomal Dominant. Identifiers: MedGen C3149841, MONDO:0008263, OMIM 173900.

Submissions (2):

Women's Health and Genetics/Laboratory Corporation of America, LabCorp
Classification: Pathogenic for Polycystic kidney disease, adult type. Last evaluated: 2025-05-23. Review status: criteria provided, single submitter. Criteria: LabCorp Variant Classification Summary - May 2015. Collection method: clinical testing. Allele origin: germline.
Comment: Variant summary: PKD1 c.6576_6582delCGCCAGC (p.Cys2195GlyfsX15) results in a premature termination codon, predicted to cause a truncation of the encoded protein or absence of the protein due to nonsense mediated decay, which are commonly known mechanisms for disease. The variant was absent in 168606 control chromosomes (gnomAD). To our knowledge, no occurrence of c.6576_6582delCGCCAGC in individuals affected with Polycystic Kidney Disease 1 and no experimental evidence demonstrating its impact on protein function have been reported. No submitters have cited clinical-significance assessments for this variant to ClinVar. Based on the evidence outlined above, the variant was classified as pathogenic.

Fulgent Genetics
Classification: Likely pathogenic for Polycystic kidney disease, adult type. Last evaluated: 2024-01-23. Review status: criteria provided, single submitter. Criteria: ACMG Guidelines, 2015. Collection method: clinical testing. Allele origin: germline.

NM_001009944.3(PKD1):c.6576_6582del (p.Cys2195fs)

Gene: PKD1 (polycystin 1, transient receptor potential channel interacting; minus strand). Cytogenetic location: 16p13.3.
Variant type: Deletion.
Coding change: c.6576_6582del on transcript NM_001009944.3 (MANE Select); coding-DNA positions 6576 to 6582, 7 bases deleted (CGCCAGC; older notation c.6576_6582delCGCCAGC).
Protein change: p.Cys2195fs; shifts the reading frame from cysteine 2195.
Molecular consequence: frameshift variant.
Genome position (GRCh38, 1-based): chr16:2,108,585-2,108,591, GCTGGCG deleted on the plus strand (CGCCAGC on the coding strand, the reverse complement: PKD1 is on the minus strand); deleting any 7 consecutive bases within chr16:2,108,585-2,108,592 gives the same sequence; the c. name uses the placement nearest the transcript's 3' end. VCF-style (leftmost placement, unchanged base first): chr16-2108584-AGCTGGCG-A. GRCh37 (hg19) VCF-style: chr16-2158585-AGCTGGCG-A.
Other names: c.6576_6582del, p.Cys2195fs (NM_000296.4); c.6576_6582delCGCCAGC (NM_001009944.3); short protein forms C2195fs.
Identifiers: ClinVar variation 3579353 (VCV003579353.2).